The following is an entry in ClinVar:

ClinVar aggregate classification (germline): Pathogenic (1 of 4 stars; one submission).

Conditions:
Charcot-Marie-Tooth Neuropathy X. Identifiers: MedGen CN118851.

Submission:

Labcorp Genetics (formerly Invitae), Labcorp
Classification: Pathogenic for Charcot-Marie-Tooth Neuropathy X. Last evaluated: 2023-11-10. Review status: criteria provided, single submitter. Criteria: Invitae Variant Classification Sherloc (09022015). Collection method: clinical testing. Allele origin: germline.
Comment: This sequence change creates a premature translational stop signal (p.Val208Trpfs*4) in the PRPS1 gene. It is expected to result in an absent or disrupted protein product. Loss-of-function variants in PRPS1 are known to be pathogenic (PMID: 24528855). This variant is not present in population databases (gnomAD no frequency). This variant has not been reported in the literature in individuals affected with PRPS1-related conditions. ClinVar contains an entry for this variant (Variation ID: 1454019). For these reasons, this variant has been classified as Pathogenic.

Literature cited by the submitters: PubMed 24528855.

NM_002764.4(PRPS1):c.621del (p.Val208fs)

Gene: PRPS1 (phosphoribosyl pyrophosphate synthetase 1; plus strand). Cytogenetic location: Xq22.3.
Variant type: Deletion.
Coding change: c.621del on transcript NM_002764.4 (MANE Select); coding-DNA position 621, one base deleted (T; older notation c.621delT).
Protein change: p.Val208fs; shifts the reading frame from valine 208.
Molecular consequence: frameshift variant.
Genome position (GRCh38, 1-based): chrX:107,645,267, T deleted; the last of 2 consecutive T bases (chrX:107,645,266-107,645,267); deleting either gives the same sequence. VCF-style (leftmost placement, unchanged base first): chrX-107645265-CT-C. GRCh37 (hg19) VCF-style: chrX-106888495-CT-C.
Other names: c.9del, p.Val4fs (NM_001204402.2); short protein forms V208fs, V4fs.
Identifiers: ClinVar variation 1454019 (VCV001454019.6), dbSNP rs2147684810, ClinGen allele CA2573159160.